The following is an entry in ClinVar:

NM_032578.4(MYPN):c.2527A>T (p.Thr843Ser)

Gene: MYPN (myopalladin; plus strand). Cytogenetic location: 10q21.3.
Variant type: single nucleotide variant.
Coding change: c.2527A>T on transcript NM_032578.4 (MANE Select); coding-DNA position 2527, A replaced by T.
Protein change: p.Thr843Ser; replaces threonine 843 with serine.
Molecular consequence: missense variant. On other transcripts: non-coding transcript variant (2).
Genome position (GRCh38, 1-based): chr10:68,174,619, A>T. VCF-style: chr10-68174619-A-T. GRCh37 (hg19) VCF-style: chr10-69934376-A-T.
Other names: c.2527A>T, p.Thr843Ser (NM_001256267.2); c.1645A>T, p.Thr549Ser (NM_001256268.2); short protein forms T843S, T549S.
Identifiers: ClinVar variation 1505067 (VCV001505067.8), dbSNP rs2134201674, ClinGen allele CA376848117.
Genomic context (GRCh38, chr10:68,174,619, plus strand): 5'-ATTCAGAACCCAGTGGCTTTCCTCAGCTCTGTTCTGCCTTCTCTCCCTGCCATCCCACCC[A>T]CAAATGCCATGGGGCTGCCTAGAAGTGCACCATCCATGTAAGTGTCATTGAGGTTTCTTG-3'
Protein context (NP_115967.2, residues 833-853): VLPSLPAIPP[Thr843Ser]NAMGLPRSAP

ClinVar aggregate classification (germline): Uncertain significance (1 of 4 stars; one submission).

Conditions:
Dilated cardiomyopathy 1KK (CMD1KK). Identifiers: Orphanet 154, Orphanet 75249, MedGen C3714995, MONDO:0014100, OMIM 615248.

Allele frequency attached by ClinVar (database versions not stated): gnomAD exomes below 0.00001.
gnomAD v4.1: 1 of 1,614,008 alleles (0.000062%); highest among the groups gnomAD compares: Non-Finnish European, 0.000085%; no homozygotes.

Submission:

Labcorp Genetics (formerly Invitae), Labcorp
Classification: Uncertain significance for Dilated cardiomyopathy 1KK. Last evaluated: 2022-03-18. Review status: criteria provided, single submitter. Criteria: Invitae Variant Classification Sherloc (09022015). Collection method: clinical testing. Allele origin: germline.
Comment: In summary, the available evidence is currently insufficient to determine the role of this variant in disease. Therefore, it has been classified as a Variant of Uncertain Significance. Algorithms developed to predict the effect of missense changes on protein structure and function are either unavailable or do not agree on the potential impact of this missense change (SIFT: "Tolerated"; PolyPhen-2: "Possibly Damaging"; Align-GVGD: "Class C0"). This variant has not been reported in the literature in individuals affected with MYPN-related conditions. This variant is not present in population databases (gnomAD no frequency). This sequence change replaces threonine, which is neutral and polar, with serine, which is neutral and polar, at codon 843 of the MYPN protein (p.Thr843Ser).